The following is an entry in ClinVar:

NM_004855.5(PIGB):c.165T>C (p.Asp55=)

Gene: PIGB (phosphatidylinositol glycan anchor biosynthesis class B; plus strand). Cytogenetic location: 15q21.3.
Variant type: single nucleotide variant.
Coding change: c.165T>C on transcript NM_004855.5 (MANE Select); coding-DNA position 165, T replaced by C.
Protein change: p.Asp55=; no amino-acid change (aspartic acid 55 retained).
Molecular consequence: synonymous variant.
Genome position (GRCh38, 1-based): chr15:55,320,276, T>C. VCF-style: chr15-55320276-T-C. GRCh37 (hg19) VCF-style: chr15-55612474-T-C.
Identifiers: ClinVar variation 2015532 (VCV002015532.4), dbSNP rs2055132943, ClinGen allele CA490431636.

ClinVar aggregate classification (germline): Uncertain significance (1 of 4 stars; one submission).

Allele frequency attached by ClinVar (database versions not stated): TOPMed below 0.00001.

Submission:

Labcorp Genetics (formerly Invitae), Labcorp
Classification: Uncertain significance. Last evaluated: 2022-07-09. Review status: criteria provided, single submitter. Criteria: Invitae Variant Classification Sherloc (09022015). Collection method: clinical testing. Allele origin: germline.
Comment: This sequence change affects codon 55 of the PIGB mRNA. It is a 'silent' change, meaning that it does not change the encoded amino acid sequence of the PIGB protein. This variant is not present in population databases (gnomAD no frequency). This variant has not been reported in the literature in individuals affected with PIGB-related conditions. Algorithms developed to predict the effect of sequence changes on RNA splicing suggest that this variant may disrupt the consensus splice site. In summary, the available evidence is currently insufficient to determine the role of this variant in disease. Therefore, it has been classified as a Variant of Uncertain Significance.